The following is an entry in ClinVar:

NM_153614.4(DNAJB13):c.934C>T (p.Gln312Ter)

Gene: DNAJB13 (DnaJ heat shock protein family (Hsp40) member B13; plus strand). Cytogenetic location: 11q13.4.
Variant type: single nucleotide variant.
Coding change: c.934C>T on transcript NM_153614.4 (MANE Select); coding-DNA position 934, C replaced by T.
Protein change: p.Gln312Ter; replaces glutamine 312 with a stop codon.
Molecular consequence: nonsense.
Genome position (GRCh38, 1-based): chr11:73,970,097, C>T. VCF-style: chr11-73970097-C-T. GRCh37 (hg19) VCF-style: chr11-73681142-C-T.
Other names: c.760C>T, p.Gln254Ter (NM_001377263.1); short protein forms Q312*, Q254*.
Identifiers: ClinVar variation 1981133 (VCV001981133.4), dbSNP rs372521296, ClinGen allele CA6180944.
Genomic context (GRCh38, chr11:73,970,097, plus strand): 5'-ATCTTCTTCGACATCCAGTTCCCCACCCGCCTCACACCCCAGAAGAAGCAGATGCTGCGC[C>T]AGGCATTGCTGACATGACTGTGGTGGGCTGGAGCAGGGGTGAGAGGAGGCTAGCCGGGCC-3'

ClinVar aggregate classification (germline): Uncertain significance (1 of 4 stars; one submission).

Allele frequency attached by ClinVar (database versions not stated): TOPMed below 0.00001; ExAC 0.00001; gnomAD 0.00001; gnomAD exomes 0.00001; ESP Exome Variant Server 0.00008.
gnomAD v4.1: 4 of 1,606,502 alleles (0.00025%); highest among the groups gnomAD compares: Admixed American, 0.0017%; no homozygotes.

Submission:

Labcorp Genetics (formerly Invitae), Labcorp
Classification: Uncertain significance. Last evaluated: 2022-04-06. Review status: criteria provided, single submitter. Criteria: Invitae Variant Classification Sherloc (09022015). Collection method: clinical testing. Allele origin: germline.
Comment: In summary, the available evidence is currently insufficient to determine the role of this variant in disease. Therefore, it has been classified as a Variant of Uncertain Significance. Experimental studies and prediction algorithms are not available or were not evaluated, and the functional significance of this variant is currently unknown. This variant has not been reported in the literature in individuals affected with DNAJB13-related conditions. The frequency data for this variant in the population databases is considered unreliable, as metrics indicate poor data quality at this position in the gnomAD database. This sequence change creates a premature translational stop signal (p.Gln312*) in the DNAJB13 gene. While this is not anticipated to result in nonsense mediated decay, it is expected to disrupt the last 5 amino acid(s) of the DNAJB13 protein.